The following is an entry in ClinVar:

NM_022575.4(VPS16):c.1444A>T (p.Ser482Cys)

Gene: VPS16 (VPS16 core subunit of CORVET and HOPS complexes; plus strand). Cytogenetic location: 20p13.
Variant type: single nucleotide variant.
Coding change: c.1444A>T on transcript NM_022575.4 (MANE Select); coding-DNA position 1444, A replaced by T.
Protein change: p.Ser482Cys; replaces serine 482 with cysteine.
Molecular consequence: missense variant.
Genome position (GRCh38, 1-based): chr20:2,863,366, A>T. VCF-style: chr20-2863366-A-T. GRCh37 (hg19) VCF-style: chr20-2844012-A-T.
Other names: c.1012A>T, p.Ser338Cys (NM_080413.3); short protein forms S482C, S338C.
Identifiers: ClinVar variation 5009373 (VCV005009373.1).

ClinVar aggregate classification (germline): Uncertain significance (1 of 4 stars; one submission).

gnomAD v4.1: 1 of 1,614,234 alleles (0.000062%); highest among the groups gnomAD compares: Non-Finnish European, 0.000085%; no homozygotes.

Submission:

GeneDx
Classification: Uncertain significance. Last evaluated: 2026-03-18. Review status: criteria provided, single submitter. Criteria: GeneDx Variant Classification Process June 2021. Collection method: clinical testing. Allele origin: germline.
Comment: Not observed at significant frequency in large population cohorts (gnomAD); In silico analysis supports that this missense variant has a deleterious effect on protein structure/function; Has not been previously published as pathogenic or benign to our knowledge